The following is an entry in ClinVar:

ClinVar aggregate classification (germline): Uncertain significance. Review status: criteria provided, multiple submitters, no conflicts (2 of 4 stars). 2 submissions from 2 submitters: Uncertain significance (2). Last evaluated 2025-12-30.

Conditions:
Hereditary cancer-predisposing syndrome. Also called: Hereditary Cancer Syndrome; Tumor predisposition; Neoplastic Syndromes, Hereditary; Hereditary neoplastic syndrome. Identifiers: Orphanet 140162, MedGen C0027672, MeSH D009386, MONDO:0015356.
Parathyroid carcinoma (PRTC). Also called: CDC73-Related Parathyroid Carcinoma; Parathyroid gland carcinoma. Identifiers: Orphanet 143, MedGen C0687150, MONDO:0012004, OMIM 608266, HP:0006780.

Allele frequency attached by ClinVar (database versions not stated): gnomAD exomes below 0.00001.
gnomAD v4.1: 1 of 1,614,030 alleles (0.000062%); highest among the groups gnomAD compares: Non-Finnish European, 0.000085%; no homozygotes.

Submissions (2):

Ambry Genetics
Classification: Uncertain significance for Hereditary cancer-predisposing syndrome. Last evaluated: 2025-12-30. Review status: criteria provided, single submitter. Criteria: Ambry Variant Classification Scheme 2023. Collection method: clinical testing. Allele origin: germline.
Comment: The p.I26V variant (also known as c.76A>G), located in coding exon 1 of the CDC73 gene, results from an A to G substitution at nucleotide position 76. The isoleucine at codon 26 is replaced by valine, an amino acid with highly similar properties. This amino acid position is highly conserved in available vertebrate species. In addition, the in silico prediction for this alteration is inconclusive. Since supporting evidence is limited at this time, the clinical significance of this alteration remains unclear.

Labcorp Genetics (formerly Invitae), Labcorp
Classification: Uncertain significance for Parathyroid carcinoma. Last evaluated: 2025-09-23. Review status: criteria provided, single submitter. Criteria: Invitae Variant Classification Sherloc (09022015). Collection method: clinical testing. Allele origin: germline.
Comment: This sequence change replaces isoleucine, which is neutral and non-polar, with valine, which is neutral and non-polar, at codon 26 of the CDC73 protein (p.Ile26Val). This variant is not present in population databases (gnomAD no frequency). This variant has not been reported in the literature in individuals affected with CDC73-related conditions. ClinVar contains an entry for this variant (Variation ID: 848837). Invitae Evidence Modeling of protein sequence and biophysical properties (such as structural, functional, and spatial information, amino acid conservation, physicochemical variation, residue mobility, and thermodynamic stability) indicates that this missense variant is not expected to disrupt CDC73 protein function with a negative predictive value of 80%. In summary, the available evidence is currently insufficient to determine the role of this variant in disease. Therefore, it has been classified as a Variant of Uncertain Significance.

NM_024529.5(CDC73):c.76A>G (p.Ile26Val)

Gene: CDC73 (cell division cycle 73; plus strand). Cytogenetic location: 1q31.2.
Variant type: single nucleotide variant.
Coding change: c.76A>G on transcript NM_024529.5 (MANE Select); coding-DNA position 76, A replaced by G.
Protein change: p.Ile26Val; replaces isoleucine 26 with valine.
Molecular consequence: missense variant.
Genome position (GRCh38, 1-based): chr1:193,122,276, A>G. VCF-style: chr1-193122276-A-G. GRCh37 (hg19) VCF-style: chr1-193091406-A-G.
Other names: short protein forms I26V.
Identifiers: ClinVar variation 848837 (VCV000848837.12), dbSNP rs1675465327, ClinGen allele CA343972890.